The following is an entry in ClinVar:

ClinVar aggregate classification (germline): Uncertain significance (1 of 4 stars; one submission).

Allele frequency attached by ClinVar (database versions not stated): gnomAD exomes below 0.00001.
gnomAD v4.1: 1 of 1,575,218 alleles (0.000063%); highest among the groups gnomAD compares: Non-Finnish European, 0.000086%; no homozygotes.

Submission:

Labcorp Genetics (formerly Invitae), Labcorp
Classification: Uncertain significance. Last evaluated: 2022-06-12. Review status: criteria provided, single submitter. Criteria: Invitae Variant Classification Sherloc (09022015). Collection method: clinical testing. Allele origin: germline.
Comment: This variant has not been reported in the literature in individuals affected with POLE-related conditions. In summary, the available evidence is currently insufficient to determine the role of this variant in disease. Therefore, it has been classified as a Variant of Uncertain Significance. Algorithms developed to predict the effect of missense changes on protein structure and function (SIFT, PolyPhen-2, Align-GVGD) all suggest that this variant is likely to be disruptive. This variant is not present in population databases (gnomAD no frequency). This sequence change replaces alanine, which is neutral and non-polar, with threonine, which is neutral and polar, at codon 957 of the POLE protein (p.Ala957Thr).

NM_006231.4(POLE):c.2869G>A (p.Ala957Thr)

Gene: POLE (DNA polymerase epsilon, catalytic subunit; minus strand). Cytogenetic location: 12q24.33.
Variant type: single nucleotide variant.
Coding change: c.2869G>A on transcript NM_006231.4 (MANE Select); coding-DNA position 2869, G replaced by A.
Protein change: p.Ala957Thr; replaces alanine 957 with threonine.
Molecular consequence: missense variant.
Genome position (GRCh38, 1-based): chr12:132,661,160, C>T on the plus strand (G>A on the coding strand, the complement: POLE is on the minus strand). VCF-style: chr12-132661160-C-T. GRCh37 (hg19) VCF-style: chr12-133237746-C-T.
Other names: short protein forms A957T.
Identifiers: ClinVar variation 2005144 (VCV002005144.4), dbSNP rs1163917303, ClinGen allele CA387392997.